The following is an entry in ClinVar:

ClinVar aggregate classification (germline): Uncertain significance (1 of 4 stars; one submission).

Conditions:
Lethal congenital glycogen storage disease of heart. Also called: PHOSPHORYLASE KINASE DEFICIENCY OF HEART; GLYCOGEN STORAGE DISEASE OF HEART. Identifiers: Orphanet 439854, MedGen C1849813, MONDO:0009867, OMIM 261740.

Submission:

Labcorp Genetics (formerly Invitae), Labcorp
Classification: Uncertain significance for Lethal congenital glycogen storage disease of heart. Last evaluated: 2025-11-10. Review status: criteria provided, single submitter. Criteria: Invitae Variant Classification Sherloc (09022015). Collection method: clinical testing. Allele origin: germline.
Comment: This sequence change replaces methionine, which is neutral and non-polar, with threonine, which is neutral and polar, at codon 415 of the PRKAG2 protein (p.Met415Thr). This variant is not present in population databases (gnomAD no frequency). This variant has not been reported in the literature in individuals affected with PRKAG2-related conditions. Invitae Evidence Modeling of protein sequence and biophysical properties (such as structural, functional, and spatial information, amino acid conservation, physicochemical variation, residue mobility, and thermodynamic stability) has been performed for this missense variant. However, the output from this modeling did not meet the statistical confidence thresholds required to predict the impact of this variant on PRKAG2 protein function. In summary, the available evidence is currently insufficient to determine the role of this variant in disease. Therefore, it has been classified as a Variant of Uncertain Significance.

NM_016203.4(PRKAG2):c.1244T>C (p.Met415Thr)

Gene: PRKAG2 (protein kinase AMP-activated non-catalytic subunit gamma 2; minus strand). Cytogenetic location: 7q36.1.
Variant type: single nucleotide variant.
Coding change: c.1244T>C on transcript NM_016203.4 (MANE Select); coding-DNA position 1244, T replaced by C.
Protein change: p.Met415Thr; replaces methionine 415 with threonine.
Molecular consequence: missense variant.
Genome position (GRCh38, 1-based): chr7:151,565,875, A>G on the plus strand (T>C on the coding strand, the complement: PRKAG2 is on the minus strand). VCF-style: chr7-151565875-A-G. GRCh37 (hg19) VCF-style: chr7-151262961-A-G.
Other names: c.1112T>C, p.Met371Thr (NM_001040633.2, NM_001407024.1); c.869T>C, p.Met290Thr (NM_001304527.2, NM_001407029.1); c.521T>C, p.Met174Thr (NM_001304531.2, NM_001407034.1, NM_001407035.1 and 1 more transcripts); c.872T>C, p.Met291Thr (NM_001363698.2, NM_001407028.1); c.1244T>C, p.Met415Thr (NM_001407021.1); c.1241T>C, p.Met414Thr (NM_001407022.1, NM_001407023.1); c.1109T>C, p.Met370Thr (NM_001407026.1, NM_001407027.1); c.956T>C, p.Met319Thr (NM_001407030.1); and 6 more; short protein forms M194T, M318T, M174T, M190T, M370T, M173T, M290T, M291T.
Identifiers: ClinVar variation 4747685 (VCV004747685.1).
Genomic context (GRCh38, chr7:151,565,875, plus strand): 5'-TTGTGGTACGTTCCTATTCCAAGCTCATCCAGGTTCTGCTTCATGAAGGCAGGCTTTGGC[A>G]TATCAGACATCTAAACGGAAGATAAACGCAAACGTTCTAGACCCAGAACACACTCTTGTC-3'
Protein context (NP_057287.2, residues 405-425): LKFLQLFMSD[Met415Thr]PKPAFMKQNL